The following is an entry in ClinVar:

ClinVar aggregate classification (germline): Benign/Likely benign. Review status: criteria provided, multiple submitters, no conflicts (2 of 4 stars). 3 submissions from 3 submitters: Benign (1); Likely benign (2). Last evaluated 2025-10-13.

Conditions:
Tuberous sclerosis 2 (TSC2). Identifiers: Orphanet 805, MedGen C1860707, MONDO:0013199, OMIM 613254.
Hereditary cancer-predisposing syndrome. Also called: Neoplastic Syndromes, Hereditary; Hereditary neoplastic syndrome; Tumor predisposition; Hereditary Cancer Syndrome. Identifiers: Orphanet 140162, MedGen C0027672, MeSH D009386, MONDO:0015356.

Submissions (3):

Labcorp Genetics (formerly Invitae), Labcorp
Classification: Likely benign for Tuberous sclerosis 2. Last evaluated: 2025-10-13. Review status: criteria provided, single submitter. Criteria: Invitae Variant Classification Sherloc (09022015). Collection method: clinical testing. Allele origin: germline.

Myriad Genetics, Inc.
Classification: Benign for Tuberous sclerosis 2. Last evaluated: 2025-04-30. Review status: criteria provided, single submitter. Criteria: Myriad Autosomal Dominant, Autosomal Recessive and X-Linked Classification Criteria (2023). Collection method: clinical testing. Allele origin: unknown.
Comment: This variant is considered benign. This variant is a silent/synonymous amino acid change and it is not expected to impact splicing.

Ambry Genetics
Classification: Likely benign for Hereditary cancer-predisposing syndrome. Last evaluated: 2023-11-02. Review status: criteria provided, single submitter. Criteria: Ambry Variant Classification Scheme 2023. Collection method: clinical testing. Allele origin: germline.

NM_000548.5(TSC2):c.54G>C (p.Leu18=)

Gene: TSC2 (TSC complex subunit 2; plus strand). Cytogenetic location: 16p13.3.
Variant type: single nucleotide variant.
Coding change: c.54G>C on transcript NM_000548.5 (MANE Select); coding-DNA position 54, G replaced by C.
Protein change: p.Leu18=; no amino-acid change (leucine 18 retained).
Molecular consequence: synonymous variant. On other transcripts: 5 prime UTR variant (1), intron variant (1).
Genome position (GRCh38, 1-based): chr16:2,048,669, G>C. VCF-style: chr16-2048669-G-C. GRCh37 (hg19) VCF-style: chr16-2098670-G-C.
Other names: c.54G>C, p.Leu18= (NM_001077183.3, NM_001114382.3, NM_001318827.2 and 4 more transcripts); c.-173G>C (NM_001318831.2); c.87G>C, p.Leu29= (NM_001318832.2); c.-10+604G>C (NM_001318829.2); c.54G>C (NM_000548.3).
Identifiers: ClinVar variation 1612322 (VCV001612322.10), dbSNP rs2150971145, ClinGen allele CA492954259.
Genomic context (GRCh38, chr16:2,048,669, plus strand): 5'-GTCCACCATGGCCAAACCAACAAGCAAAGATTCAGGCTTGAAGGAGAAGTTTAAGATTCT[G>C]TTGGGACTGGGAACACCGAGGCCAAATCCCAGGTCTGCAGAGGGTAAACAGACGGAGTTT-3'
Protein context (NP_000539.2, residues 8-28): DSGLKEKFKI[Leu18=]LGLGTPRPNP